The following is an entry in ClinVar:

NM_004995.4(MMP14):c.1565C>T (p.Thr522Met)

Gene: MMP14 (matrix metallopeptidase 14; plus strand). Cytogenetic location: 14q11.2.
Variant type: single nucleotide variant.
Coding change: c.1565C>T on transcript NM_004995.4 (MANE Select); coding-DNA position 1565, C replaced by T.
Protein change: p.Thr522Met; replaces threonine 522 with methionine.
Molecular consequence: missense variant.
Genome position (GRCh38, 1-based): chr14:22,845,855, C>T. VCF-style: chr14-22845855-C-T. GRCh37 (hg19) VCF-style: chr14-23315064-C-T.
Other names: short protein forms T522M.
Identifiers: ClinVar variation 4625089 (VCV004625089.2).

ClinVar aggregate classification (germline): Uncertain significance. Review status: criteria provided, multiple submitters, no conflicts (2 of 4 stars). 2 submissions from 2 submitters: Uncertain significance (2). Last evaluated 2025-10-24.

Conditions:
Inborn genetic diseases. Identifiers: MedGen C0950123, MeSH D030342.

gnomAD v4.1: 17 of 1,614,006 alleles (0.0011%); highest among the groups gnomAD compares: African/African-American, 0.0053%; no homozygotes.

Submissions (2):

Ambry Genetics
Classification: Uncertain significance for Inborn genetic diseases. Last evaluated: 2025-10-24. Review status: criteria provided, single submitter. Criteria: Ambry Variant Classification Scheme 2023. Collection method: clinical testing. Allele origin: germline.
Comment: The c.1565C>T (p.T522M) alteration is located in exon 10 (coding exon 10) of the MMP14 gene. This alteration results from a C to T substitution at nucleotide position 1565, causing the threonine (T) at amino acid position 522 to be replaced by a methionine (M). Based on data from gnomAD, the T allele has an overall frequency of 0.001% (4/282332) total alleles studied. The highest observed frequency was 0.005% (1/19944) of East Asian alleles. Based on insufficient or conflicting evidence, the clinical significance of this alteration remains unclear.

Labcorp Genetics (formerly Invitae), Labcorp
Classification: Uncertain significance. Last evaluated: 2025-05-22. Review status: criteria provided, single submitter. Criteria: Invitae Variant Classification Sherloc (09022015). Collection method: clinical testing. Allele origin: germline.
Comment: This sequence change replaces threonine, which is neutral and polar, with methionine, which is neutral and non-polar, at codon 522 of the MMP14 protein (p.Thr522Met). This variant is present in population databases (rs150346850, gnomAD 0.005%). This variant has not been reported in the literature in individuals affected with MMP14-related conditions. An algorithm developed to predict the effect of missense changes on protein structure and function (PolyPhen-2) suggests that this variant is likely to be disruptive. In summary, the available evidence is currently insufficient to determine the role of this variant in disease. Therefore, it has been classified as a Variant of Uncertain Significance.